The following is an entry in ClinVar:

ClinVar aggregate classification (germline): Uncertain significance (1 of 4 stars; one submission).

gnomAD v4.1: 37 of 1,613,892 alleles (0.0023%); highest among the groups gnomAD compares: Non-Finnish European, 0.0031%; no homozygotes.

Submission:

Ambry Genetics
Classification: Uncertain significance. Last evaluated: 2025-01-10. Review status: criteria provided, single submitter. Criteria: Ambry Variant Classification Scheme 2023. Collection method: clinical testing. Allele origin: germline.
Comment: The p.L123P variant (also known as c.368T>C), located in coding exon 1 of the CDK12 gene, results from a T to C substitution at nucleotide position 368. The leucine at codon 123 is replaced by proline, an amino acid with similar properties. This amino acid position is conserved. In addition, this alteration is predicted to be tolerated by in silico analysis. Based on the available evidence, the clinical significance of this variant remains unclear.

NM_016507.4(CDK12):c.368T>C (p.Leu123Pro)

Genes: CDK12 (cyclin dependent kinase 12; plus strand), LOC126862553 (CDK7 strongly-dependent group 2 enhancer GRCh37_chr17:37618166-37619365; plus strand). Cytogenetic location: 17q12.
Variant type: single nucleotide variant.
Coding change: c.368T>C on transcript NM_016507.4 (MANE Select); coding-DNA position 368, T replaced by C.
Protein change: p.Leu123Pro; replaces leucine 123 with proline.
Molecular consequence: missense variant.
Genome position (GRCh38, 1-based): chr17:39,462,439, T>C. VCF-style: chr17-39462439-T-C. GRCh37 (hg19) VCF-style: chr17-37618692-T-C.
Other names: c.368T>C, p.Leu123Pro (NM_015083.4); short protein forms L123P.
Identifiers: ClinVar variation 3830477 (VCV003830477.1).